The following is an entry in ClinVar:

ClinVar aggregate classification (germline): Uncertain significance. Review status: criteria provided, multiple submitters, no conflicts (2 of 4 stars). 2 submissions from 2 submitters: Uncertain significance (2). Last evaluated 2022-02-06.

Conditions:
Duchenne muscular dystrophy (DMD). Also called: MUSCULAR DYSTROPHY, PSEUDOHYPERTROPHIC PROGRESSIVE, DUCHENNE TYPE; Duchenne Muscular Dystrophy (DMD). Identifiers: Orphanet 98896, MedGen C0013264, MONDO:0010679, OMIM 310200.
Becker muscular dystrophy (BMD). Also called: MUSCULAR DYSTROPHY, PSEUDOHYPERTROPHIC PROGRESSIVE, BECKER TYPE; Becker Muscular Dystrophy (BMD). Identifiers: Orphanet 98895, MedGen C0917713, MONDO:0010311, OMIM 300376.
Dilated cardiomyopathy 3B (CMD3B). Also called: CMD3B: DMD-Related Dilated Cardiomyopathy; CARDIOMYOPATHY, DILATED, X-LINKED; DMD-Associated Dilated Cardiomyopathy. Identifiers: Orphanet 154, MedGen C3668940, MONDO:0010542, OMIM 302045.

gnomAD v4.1: 7 of 1,210,310 alleles (0.00058%); highest among the groups gnomAD compares: Non-Finnish European, 0.00078%; no homozygotes.

Submissions (2):

Labcorp Genetics (formerly Invitae), Labcorp
Classification: Uncertain significance for Duchenne muscular dystrophy. Last evaluated: 2022-02-06. Review status: criteria provided, single submitter. Criteria: Invitae Variant Classification Sherloc (09022015). Collection method: clinical testing. Allele origin: germline.
Comment: In summary, the available evidence is currently insufficient to determine the role of this variant in disease. Therefore, it has been classified as a Variant of Uncertain Significance. Variants that disrupt the consensus splice site are a relatively common cause of aberrant splicing (PMID: 17576681, 9536098). Algorithms developed to predict the effect of sequence changes on RNA splicing suggest that this variant may disrupt the consensus splice site. This variant has not been reported in the literature in individuals affected with DMD-related conditions. This variant is not present in population databases (gnomAD no frequency). This sequence change affects codon 320 of the DMD mRNA. It is a 'silent' change, meaning that it does not change the encoded amino acid sequence of the DMD protein. This variant also falls at the last nucleotide of exon 9, which is part of the consensus splice site for this exon.

Fulgent Genetics
Classification: Uncertain significance for Becker muscular dystrophy; Dilated cardiomyopathy 3B; Duchenne muscular dystrophy. Last evaluated: 2021-11-17. Review status: criteria provided, single submitter. Criteria: ACMG Guidelines, 2015. Collection method: clinical testing. Allele origin: unknown.

Literature cited by the submitters: PubMed 17576681 (cited by Labcorp Genetics (formerly Invitae), Labcorp); PubMed 9536098 (cited by Labcorp Genetics (formerly Invitae), Labcorp).

NM_004006.3(DMD):c.960G>A (p.Gln320=)

Gene: DMD (dystrophin; minus strand). Cytogenetic location: Xp21.1.
Variant type: single nucleotide variant.
Coding change: c.960G>A on transcript NM_004006.3 (MANE Select); coding-DNA position 960, G replaced by A.
Protein change: p.Gln320=; no amino-acid change (glutamine 320 retained).
Molecular consequence: synonymous variant.
Genome position (GRCh38, 1-based): chrX:32,697,870, C>T on the plus strand (G>A on the coding strand, the complement: DMD is on the minus strand). VCF-style: chrX-32697870-C-T. GRCh37 (hg19) VCF-style: chrX-32715987-C-T.
Other names: c.936G>A, p.Gln312= (NM_000109.4); c.948G>A, p.Gln316= (NM_004009.3); c.591G>A, p.Gln197= (NM_004010.3).
Identifiers: ClinVar variation 1376948 (VCV001376948.6), dbSNP rs772656026, ClinGen allele CA328553671.